The following is an entry in ClinVar:

NM_001025295.3(IFITM5):c.142A>C (p.Asn48His)

Gene: IFITM5 (interferon induced transmembrane protein 5; minus strand). Cytogenetic location: 11p15.5.
Variant type: single nucleotide variant.
Coding change: c.142A>C on transcript NM_001025295.3 (MANE Select); coding-DNA position 142, A replaced by C.
Protein change: p.Asn48His; replaces asparagine 48 with histidine.
Molecular consequence: missense variant.
Genome position (GRCh38, 1-based): chr11:299,349, T>G on the plus strand (A>C on the coding strand, the complement: IFITM5 is on the minus strand). VCF-style: chr11-299349-T-G. GRCh37 (hg19) VCF-style: chr11-299349-T-G.
Other names: short protein forms N48H.
Identifiers: ClinVar variation 1493613 (VCV001493613.6), dbSNP rs1295997813, ClinGen allele CA378890735.

ClinVar aggregate classification (germline): Uncertain significance (1 of 4 stars; one submission).

gnomAD v4.1: 2 of 1,602,430 alleles (0.00012%); highest among the groups gnomAD compares: Non-Finnish European, 0.00017%; no homozygotes.

Submission:

Labcorp Genetics (formerly Invitae), Labcorp
Classification: Uncertain significance. Last evaluated: 2024-01-22. Review status: criteria provided, single submitter. Criteria: Invitae Variant Classification Sherloc (09022015). Collection method: clinical testing. Allele origin: germline.
Comment: This sequence change replaces asparagine, which is neutral and polar, with histidine, which is basic and polar, at codon 48 of the IFITM5 protein (p.Asn48His). This variant is not present in population databases (gnomAD no frequency). This variant has not been reported in the literature in individuals affected with IFITM5-related conditions. ClinVar contains an entry for this variant (Variation ID: 1493613). An algorithm developed to predict the effect of missense changes on protein structure and function (PolyPhen-2) suggests that this variant is likely to be disruptive. In summary, the available evidence is currently insufficient to determine the role of this variant in disease. Therefore, it has been classified as a Variant of Uncertain Significance.